The following is an entry in ClinVar:

NM_001042492.3(NF1):c.4522_4523del (p.His1508fs)

Gene: NF1 (neurofibromin 1; plus strand). Cytogenetic location: 17q11.2.
Variant type: Deletion.
Coding change: c.4522_4523del on transcript NM_001042492.3 (MANE Select); coding-DNA positions 4522 to 4523, 2 bases deleted (CA; older notation c.4522_4523delCA).
Protein change: p.His1508fs; shifts the reading frame from histidine 1508.
Molecular consequence: frameshift variant.
Genome position (GRCh38, 1-based): chr17:31,260,460-31,260,461, CA deleted; deleting any 2 consecutive bases within chr17:31,260,459-31,260,461 gives the same sequence; the c. name uses the placement nearest the transcript's 3' end. VCF-style (leftmost placement, unchanged base first): chr17-31260458-TAC-T. GRCh37 (hg19) VCF-style: chr17-29587476-TAC-T.
Other names: c.4459_4460del, p.His1487fs (NM_000267.4); short protein forms H1487fs, H1508fs.
Identifiers: ClinVar variation 5018515 (VCV005018515.1).

ClinVar aggregate classification (germline): Pathogenic (1 of 4 stars; one submission).

Conditions:
Neurofibromatosis, type 1 (NF1). Also called: VON RECKLINGHAUSEN DISEASE; NEUROFIBROMATOSIS, TYPE I, SOMATIC; Peripheral type neurofibromatosis; Neurofibromatosis, type I. Identifiers: Orphanet 636, MedGen C0027831, MONDO:0018975, OMIM 162200. Disease mechanism: loss of function.
Café-au-lait macules with pulmonary stenosis (WTSN). Also called: PULMONIC STENOSIS WITH CAFE-AU-LAIT SPOTS. Identifiers: MedGen C0553586, MONDO:0008672, OMIM 193520.
Neurofibromatosis-Noonan syndrome (NFNS). Also called: NEUROFIBROMATOSIS WITH NOONAN PHENOTYPE. Identifiers: Orphanet 638, MedGen C2931482, MONDO:0011035, OMIM 601321. Disease mechanism: loss of function.
Neurofibromatosis, familial spinal (FSNF). Identifiers: Orphanet 636, MedGen C1834235, MONDO:0008078, OMIM 162210. Disease mechanism: loss of function.
Juvenile myelomonocytic leukemia (JMML). Also called: LEUKEMIA, JUVENILE MYELOMONOCYTIC, SOMATIC. Identifiers: Orphanet 86834, MedGen C0349639, MONDO:0011908, OMIM 607785, HP:0012209.

Submission:

Juno Genomics, Hangzhou Juno Genomics, Inc
Classification: Pathogenic for Café-au-lait macules with pulmonary stenosis; Neurofibromatosis, type 1; Juvenile myelomonocytic leukemia; Neurofibromatosis, familial spinal; Neurofibromatosis-Noonan syndrome. Review status: criteria provided, single submitter. Criteria: ACMG Guidelines, 2015. Collection method: clinical testing. Allele origin: germline. Affected: yes.
Comment: Absent from controls (or at extremely low frequency if recessive) in Genome Aggregation Database.;Null variant in a gene where loss of function (LOF) is a known mechanism of disease.;Patient's phenotype or family history is highly specific for a disease with a single genetic etiology.